The following is an entry in ClinVar:

NM_001129.5(AEBP1):c.1284C>A (p.Tyr428Ter)

Gene: AEBP1 (AE binding protein 1; plus strand). Cytogenetic location: 7p13.
Variant type: single nucleotide variant.
Coding change: c.1284C>A on transcript NM_001129.5 (MANE Select); coding-DNA position 1284, C replaced by A.
Protein change: p.Tyr428Ter; replaces tyrosine 428 with a stop codon.
Molecular consequence: nonsense.
Genome position (GRCh38, 1-based): chr7:44,110,230, C>A. VCF-style: chr7-44110230-C-A. GRCh37 (hg19) VCF-style: chr7-44149829-C-A.
Other names: short protein forms Y428*.
Identifiers: ClinVar variation 2858664 (VCV002858664.4), dbSNP rs1477494152, ClinGen allele CA367362022.

ClinVar aggregate classification (germline): Pathogenic/Likely pathogenic. Review status: criteria provided, multiple submitters, no conflicts (2 of 4 stars). 2 submissions from 2 submitters: Pathogenic (1); Likely pathogenic (1). Last evaluated 2024-12-11.

Conditions:
Ehlers-Danlos syndrome, classic-like, 2. Identifiers: Orphanet 536532, MedGen C4693870, MONDO:0054813, OMIM 618000.

Allele frequency attached by ClinVar (database versions not stated): TOPMed below 0.00001; gnomAD 0.00001.
gnomAD v4.1: 1 of 1,613,648 alleles (0.000062%); highest among the groups gnomAD compares: Non-Finnish European, 0.000085%; no homozygotes.

Submissions (2):

Human Genetics Bochum, Ruhr University Bochum
Classification: Likely pathogenic for Ehlers-Danlos syndrome, classic-like, 2. Last evaluated: 2024-12-11. Review status: criteria provided, single submitter. Criteria: ACMG Guidelines, 2015. Collection method: clinical testing. Allele origin: germline. Affected: yes.
Comment: ACMG criteria used to clasify this variant: PVS1, PM2_SUP

Labcorp Genetics (formerly Invitae), Labcorp
Classification: Pathogenic. Last evaluated: 2023-04-23. Review status: criteria provided, single submitter. Criteria: Invitae Variant Classification Sherloc (09022015). Collection method: clinical testing. Allele origin: germline.
Comment: This sequence change creates a premature translational stop signal (p.Tyr428*) in the AEBP1 gene. It is expected to result in an absent or disrupted protein product. Loss-of-function variants in AEBP1 are known to be pathogenic (PMID: 29606302). This variant is not present in population databases (gnomAD no frequency). This variant has not been reported in the literature in individuals affected with AEBP1-related conditions. Algorithms developed to predict the effect of sequence changes on RNA splicing suggest that this variant may disrupt the consensus splice site. For these reasons, this variant has been classified as Pathogenic.

Literature cited by the submitters: PubMed 29606302 (cited by Labcorp Genetics (formerly Invitae), Labcorp).